The following is an entry in ClinVar:

ClinVar aggregate classification (germline): Uncertain significance. Review status: criteria provided, multiple submitters, no conflicts (2 of 4 stars). 3 submissions from 3 submitters: Uncertain significance (3). Last evaluated 2026-04-29.

Conditions:
SCAPER-related disorder. Also called: SCAPER-related condition.
Inborn genetic diseases. Identifiers: MedGen C0950123, MeSH D030342.

Allele frequency attached by ClinVar (database versions not stated): TOPMed 0.00004.
gnomAD v4.1: 77 of 1,608,142 alleles (0.0048%); highest among the groups gnomAD compares: Middle Eastern, 0.033%; 1 homozygote.

Submissions (3):

PreventionGenetics, part of Exact Sciences
Classification: Uncertain significance for SCAPER-related condition. Last evaluated: 2026-04-29. Review status: criteria provided, single submitter. Criteria: ACMG Guidelines, 2015. Collection method: clinical testing. Allele origin: germline.
Comment: The SCAPER c.763C>T variant is predicted to result in the amino acid substitution p.Arg255Cys. To our knowledge, this variant has not been reported in the literature. This variant is reported in 0.044% of alleles in individuals of European (Finnish) descent in gnomAD, including one homozygous record. At this time, the clinical significance of this variant is uncertain due to the absence of conclusive functional and genetic evidence.

Ambry Genetics
Classification: Uncertain significance for Inborn genetic diseases. Last evaluated: 2023-07-25. Review status: criteria provided, single submitter. Criteria: Ambry Variant Classification Scheme 2023. Collection method: clinical testing. Allele origin: germline.

Breakthrough Genomics
Classification: Uncertain significance. Review status: criteria provided, single submitter. Criteria: ACMG Guidelines, 2015. Collection method: not provided. Allele origin: germline. Inheritance: Autosomal recessive inheritance. Affected: yes.

NM_020843.4(SCAPER):c.763C>T (p.Arg255Cys)

Gene: SCAPER (S-phase cyclin A associated protein in the ER; minus strand). Cytogenetic location: 15q24.3.
Variant type: single nucleotide variant.
Coding change: c.763C>T on transcript NM_020843.4 (MANE Select); coding-DNA position 763, C replaced by T.
Protein change: p.Arg255Cys; replaces arginine 255 with cysteine.
Molecular consequence: missense variant. On other transcripts: 5 prime UTR variant (1), non-coding transcript variant (1).
Genome position (GRCh38, 1-based): chr15:76,795,289, G>A on the plus strand (C>T on the coding strand, the complement: SCAPER is on the minus strand). VCF-style: chr15-76795289-G-A. GRCh37 (hg19) VCF-style: chr15-77087630-G-A.
Other names: c.763C>T (NM_001353009.1); c.-135C>T (NM_001145923.2); c.763C>T, p.Arg255Cys (NM_001353009.2); c.361C>T, p.Arg121Cys (NM_001353010.2, NM_001353011.2, NM_001353012.2); short protein forms R255C, R121C.
Identifiers: ClinVar variation 2614331 (VCV002614331.4), dbSNP rs759689669, ClinGen allele CA7675116.
Genomic context (GRCh38, chr15:76,795,289, plus strand): 5'-CTATATATCCACCTGTTTACTACACAAAATGGCTAATTCGAAGTCACTTGCCATTTTTGC[G>A]TGAGGCCTTCTGCACTGTCATTGGTGGGCAAGACTGGGCGGGTGTTATTTCTGAAGAAGC-3'
Protein context (NP_065894.2, residues 245-265): CPPMTVQKAS[Arg255Cys]KNERKDAEGW